The following is an entry in ClinVar:

NM_015466.4(PTPN23):c.878C>A (p.Thr293Asn)

Gene: PTPN23 (protein tyrosine phosphatase non-receptor type 23; plus strand). Cytogenetic location: 3p21.31.
Variant type: single nucleotide variant.
Coding change: c.878C>A on transcript NM_015466.4 (MANE Select); coding-DNA position 878, C replaced by A.
Protein change: p.Thr293Asn; replaces threonine 293 with asparagine.
Molecular consequence: missense variant.
Genome position (GRCh38, 1-based): chr3:47,407,322, C>A. VCF-style: chr3-47407322-C-A. GRCh37 (hg19) VCF-style: chr3-47448812-C-A.
Other names: c.500C>A, p.Thr167Asn (NM_001304482.2); short protein forms T167N, T293N.
Identifiers: ClinVar variation 1377369 (VCV001377369.8), dbSNP rs2107716687, ClinGen allele CA352546998.
Genomic context (GRCh38, chr3:47,407,322, plus strand): 5'-CAGCCTTGGTTAGTGCTAAGGCCCCACCCCTGTCCCTAACCCCACAGGGCCAGCCTGACA[C>A]TGTGCAAGACGCGCTTCGCTTCACTATGGATGTCATTGGGGGAAAGTGAGTCTGTGGGGG-3'
Protein context (NP_056281.1, residues 283-303): AIKLAKGQPD[Thr293Asn]VQDALRFTMD

ClinVar aggregate classification (germline): Uncertain significance (1 of 4 stars; one submission).

Submission:

Labcorp Genetics (formerly Invitae), Labcorp
Classification: Uncertain significance. Last evaluated: 2022-02-05. Review status: criteria provided, single submitter. Criteria: Invitae Variant Classification Sherloc (09022015). Collection method: clinical testing. Allele origin: germline.
Comment: This variant has not been reported in the literature in individuals affected with PTPN23-related conditions. This variant is not present in population databases (gnomAD no frequency). This sequence change replaces threonine, which is neutral and polar, with asparagine, which is neutral and polar, at codon 293 of the PTPN23 protein (p.Thr293Asn). Algorithms developed to predict the effect of missense changes on protein structure and function are either unavailable or do not agree on the potential impact of this missense change (SIFT: "Tolerated"; PolyPhen-2: "Not Available"; Align-GVGD: "Class C0"). In summary, the available evidence is currently insufficient to determine the role of this variant in disease. Therefore, it has been classified as a Variant of Uncertain Significance.